The following is an entry in ClinVar:

NM_002661.5(PLCG2):c.1783G>A (p.Gly595Arg)

Gene: PLCG2 (phospholipase C gamma 2; plus strand). Cytogenetic location: 16q23.3.
Variant type: single nucleotide variant.
Coding change: c.1783G>A on transcript NM_002661.5 (MANE Select); coding-DNA position 1783, G replaced by A.
Protein change: p.Gly595Arg; replaces glycine 595 with arginine.
Molecular consequence: missense variant.
Genome position (GRCh38, 1-based): chr16:81,910,569, G>A. VCF-style: chr16-81910569-G-A. GRCh37 (hg19) VCF-style: chr16-81944174-G-A.
Other names: short protein forms G595R.
Identifiers: ClinVar variation 837524 (VCV000837524.11), dbSNP rs758138167, ClinGen allele CA8193940.

ClinVar aggregate classification (germline): Uncertain significance. Review status: criteria provided, multiple submitters, no conflicts (2 of 4 stars). 2 submissions from 2 submitters: Uncertain significance (2). Last evaluated 2025-10-22.

Conditions:
Familial cold autoinflammatory syndrome 3 (FCAS3). Also called: FAMILIAL ATYPICAL COLD URTICARIA; ANTIBODY DEFICIENCY AND IMMUNE DYSREGULATION, PLCG2-ASSOCIATED. Identifiers: Orphanet 300359, MedGen C3280914, MONDO:0013766, OMIM 614468.
Autoinflammation-PLCG2-associated antibody deficiency-immune dysregulation. Also called: Autoinflammation, antibody deficiency, and immune dysregulation syndrome; AUTOINFLAMMATION, ANTIBODY DEFICIENCY, AND IMMUNE DYSREGULATION; Autoinflammation, antibody deficiency, and immune dysregulation, plcg2-associated. Identifiers: Orphanet 324530, MedGen C3553961, MONDO:0013944, OMIM 614878.

Allele frequency attached by ClinVar (database versions not stated): TOPMed below 0.00001; ExAC 0.00001; gnomAD exomes 0.00001.
gnomAD v4.1: 26 of 1,614,142 alleles (0.0016%); highest among the groups gnomAD compares: South Asian, 0.0088%; no homozygotes.

Submissions (2):

Labcorp Genetics (formerly Invitae), Labcorp
Classification: Uncertain significance for Familial cold autoinflammatory syndrome 3. Last evaluated: 2025-10-22. Review status: criteria provided, single submitter. Criteria: Invitae Variant Classification Sherloc (09022015). Collection method: clinical testing. Allele origin: germline.
Comment: This sequence change replaces glycine, which is neutral and non-polar, with arginine, which is basic and polar, at codon 595 of the PLCG2 protein (p.Gly595Arg). This variant is present in population databases (rs758138167, gnomAD 0.006%). This missense change has been observed in individual(s) with PLCG2-related conditions (PMID: 37714437). ClinVar contains an entry for this variant (Variation ID: 837524). An algorithm developed to predict the effect of missense changes on protein structure and function (PolyPhen-2) suggests that this variant is likely to be disruptive. Experimental studies have shown that this missense change affects PLCG2 function (PMID: 37714437). In summary, the available evidence is currently insufficient to determine the role of this variant in disease. Therefore, it has been classified as a Variant of Uncertain Significance.

Fulgent Genetics
Classification: Uncertain significance for Familial cold autoinflammatory syndrome 3; Autoinflammation-PLCG2-associated antibody deficiency-immune dysregulation. Last evaluated: 2021-07-05. Review status: criteria provided, single submitter. Criteria: ACMG Guidelines, 2015. Collection method: clinical testing. Allele origin: unknown.

Literature cited by the submitters: PubMed 37714437 (cited by Labcorp Genetics (formerly Invitae), Labcorp).